The following is an entry in ClinVar:

ClinVar aggregate classification (germline): Uncertain significance. Review status: criteria provided, single submitter (1 of 4 stars). 2 submissions from 2 submitters: Uncertain significance (1). 1 of the submissions does not count toward it. Last evaluated 2022-07-09.

Conditions:
Usher syndrome type 1F (USH1F). Also called: USHER SYNDROME, TYPE IF. Identifiers: Orphanet 231169, Orphanet 886, MedGen C1865885, MONDO:0011186, OMIM 602083.

Allele frequency attached by ClinVar (database versions not stated): gnomAD exomes below 0.00001.

Submissions (2):

Labcorp Genetics (formerly Invitae), Labcorp
Classification: Uncertain significance. Last evaluated: 2022-07-09. Review status: criteria provided, single submitter. Criteria: Invitae Variant Classification Sherloc (09022015). Collection method: clinical testing. Allele origin: germline.
Comment: ClinVar contains an entry for this variant (Variation ID: 371625). This variant has not been reported in the literature in individuals affected with PCDH15-related conditions. This variant is not present in population databases (gnomAD no frequency). This sequence change falls in intron 31 of the PCDH15 gene. It does not directly change the encoded amino acid sequence of the PCDH15 protein. It affects a nucleotide within the consensus splice site. Variants that disrupt the consensus splice site are a relatively common cause of aberrant splicing (PMID: 17576681, 9536098). Algorithms developed to predict the effect of sequence changes on RNA splicing suggest that this variant may disrupt the consensus splice site. In summary, the available evidence is currently insufficient to determine the role of this variant in disease. Therefore, it has been classified as a Variant of Uncertain Significance.

Counsyl
Classification: Likely pathogenic for Usher syndrome type 1F. Last evaluated: 2016-11-01. Review status: no assertion criteria provided. Collection method: clinical testing. Allele origin: unknown. Not counted in ClinVar's aggregate classification.

Literature cited by the submitters: PubMed 17576681 (cited by Labcorp Genetics (formerly Invitae), Labcorp); PubMed 9536098 (cited by Labcorp Genetics (formerly Invitae), Labcorp).

NM_001384140.1(PCDH15):c.4211+2dup

Gene: PCDH15 (protocadherin related 15; minus strand). Cytogenetic location: 10q21.1.
Variant type: Duplication.
Coding change: c.4211+2dup on transcript NM_001384140.1 (MANE Select); the canonical splice donor site of the intron after coding-DNA position 4211, one base duplicated (T; older notation c.4211+2dupT).
Molecular consequence: splice donor variant. On other transcripts: intron variant (3).
Genome position (GRCh38, 1-based): chr10:53,828,563, A duplicated on the plus strand (T on the coding strand, the reverse complement: PCDH15 is on the minus strand). VCF-style (leftmost placement, unchanged base first): chr10-53828562-T-TA. GRCh37 (hg19) VCF-style: chr10-55588322-T-TA.
Other names: c.4145+2dup (NM_001354404.2, NM_001142768.2); c.4137-1015dup (NM_001142773.2); c.4092-1015dup (NM_001142767.2); c.3998+2dup (NM_001142765.2); c.4203-1015dup (NM_001142766.2); c.4211+2dup (NM_033056.4, NM_001142764.2, NM_001142770.3 and 3 more transcripts); c.4226+2dup (NM_001142763.2, NM_001142771.2); c.4232+2dup (NM_001354411.2); and 1 more.
Identifiers: ClinVar variation 371625 (VCV000371625.7), dbSNP rs1057517419, ClinGen allele CA16041359.